The following is an entry in ClinVar:

ClinVar aggregate classification (germline): Conflicting classifications of pathogenicity. Review status: criteria provided, conflicting classifications (1 of 4 stars). 2 submissions from 2 submitters: Uncertain significance (1); Likely benign (1). Last evaluated 2025-08-19.

Conditions:
Idiopathic Pulmonary Fibrosis. Also called: Idiopathic fibrosing alveolitis, chronic form; idiopathic fibrosing alveolitis. Identifiers: Orphanet 2032, MedGen C1800706, MeSH D054990, MONDO:0800504.
Dyskeratosis congenita, autosomal dominant 2. Identifiers: MedGen C3151443, MONDO:0013521, OMIM 613989.
Dyskeratosis congenita. Identifiers: Orphanet 1775, MedGen C0265965, MONDO:0015780.

Allele frequency attached by ClinVar (database versions not stated): gnomAD 0.00001; gnomAD exomes 0.00002 and 0.00008; ExAC 0.00047.
gnomAD v4.1: 21 of 1,429,826 alleles (0.0015%); highest among the groups gnomAD compares: South Asian, 0.02%; no homozygotes.

Submissions (2):

Ambry Genetics
Classification: Uncertain significance for Dyskeratosis congenita. Last evaluated: 2025-08-19. Review status: criteria provided, single submitter. Criteria: Ambry Variant Classification Scheme 2023. Collection method: clinical testing. Allele origin: germline.
Comment: The p.T26M variant (also known as c.77C>T), located in coding exon 1 of the TERT gene, results from a C to T substitution at nucleotide position 77. The threonine at codon 26 is replaced by methionine, an amino acid with similar properties. This amino acid position is not well conserved in available vertebrate species. In addition, this alteration is predicted to be tolerated by in silico analysis. Based on the available evidence, the clinical significance of this variant remains unclear.

Labcorp Genetics (formerly Invitae), Labcorp
Classification: Likely benign for Dyskeratosis congenita, autosomal dominant 2; Idiopathic Pulmonary Fibrosis. Last evaluated: 2025-07-24. Review status: criteria provided, single submitter. Criteria: Invitae Variant Classification Sherloc (09022015). Collection method: clinical testing. Allele origin: germline.

NM_198253.3(TERT):c.77C>T (p.Thr26Met)

Genes: TERT (telomerase reverse transcriptase; minus strand), LOC110806263 (TERT 5' regulatory region; plus strand). Cytogenetic location: 5p15.33.
Variant type: single nucleotide variant.
Coding change: c.77C>T on transcript NM_198253.3 (MANE Select); coding-DNA position 77, C replaced by T.
Protein change: p.Thr26Met; replaces threonine 26 with methionine.
Molecular consequence: missense variant. On other transcripts: non-coding transcript variant (2).
Genome position (GRCh38, 1-based): chr5:1,294,913, G>A on the plus strand (C>T on the coding strand, the complement: TERT is on the minus strand). VCF-style: chr5-1294913-G-A. GRCh37 (hg19) VCF-style: chr5-1295028-G-A.
Other names: c.77C>T, p.Thr26Met (NM_001193376.3); short protein forms T26M.
Identifiers: ClinVar variation 1366402 (VCV001366402.11), dbSNP rs760727529, ClinGen allele CA3185025.
Genomic context (GRCh38, chr5:1,294,913, plus strand): 5'-GCCGCCGGGTCCCCGCGCTGCACCAGCCGCCAGCCCTGGGGCCCCAGGCGCCGCACGAAC[G>A]TGGCCAGCGGCAGCACCTCGCGGTAGTGGCTGCGCAGCAGGGAGCGCACGGCTCGGCAGC-3'
Protein context (NP_937983.2, residues 16-36): SHYREVLPLA[Thr26Met]FVRRLGPQGW